The following is an entry in ClinVar:

ClinVar aggregate classification (germline): Pathogenic (1 of 4 stars; one submission).

Conditions:
Primary ciliary dyskinesia. Also called: Ciliary dyskinesia. Identifiers: Orphanet 244, MedGen C0008780, MONDO:0016575, HP:0012265.

Submission:

Labcorp Genetics (formerly Invitae), Labcorp
Classification: Pathogenic for Primary ciliary dyskinesia. Last evaluated: 2024-01-24. Review status: criteria provided, single submitter. Criteria: Invitae Variant Classification Sherloc (09022015). Collection method: clinical testing. Allele origin: germline.
Comment: This sequence change creates a premature translational stop signal (p.Lys569*) in the CCDC39 gene. It is expected to result in an absent or disrupted protein product. Loss-of-function variants in CCDC39 are known to be pathogenic (PMID: 21131972, 23255504). This variant is not present in population databases (gnomAD no frequency). This variant has not been reported in the literature in individuals affected with CCDC39-related conditions. For these reasons, this variant has been classified as Pathogenic.

Literature cited by the submitters: PubMed 21131972; PubMed 23255504.

NM_181426.2(CCDC39):c.1705A>T (p.Lys569Ter)

Gene: CCDC39 (coiled-coil domain 39 molecular ruler complex subunit; minus strand). Cytogenetic location: 3q26.33.
Variant type: single nucleotide variant.
Coding change: c.1705A>T on transcript NM_181426.2 (MANE Select); coding-DNA position 1705, A replaced by T.
Protein change: p.Lys569Ter; replaces lysine 569 with a stop codon.
Molecular consequence: nonsense.
Genome position (GRCh38, 1-based): chr3:180,642,162, T>A on the plus strand (A>T on the coding strand, the complement: CCDC39 is on the minus strand). VCF-style: chr3-180642162-T-A. GRCh37 (hg19) VCF-style: chr3-180359950-T-A.
Other names: short protein forms K569*.
Identifiers: ClinVar variation 2711122 (VCV002711122.3), dbSNP rs2473804152, ClinGen allele CA355309181.